The following is an entry in ClinVar:

ClinVar aggregate classification (germline): Uncertain significance (1 of 4 stars; one submission).

Conditions:
Cohen syndrome (COH1). Also called: PEPPER SYNDROME; Cutis verticis gyrata, retinitis pigmentosa, and sensorineural deafness. Identifiers: Orphanet 193, MedGen C0265223, MONDO:0008999, OMIM 216550.

gnomAD v4.1: 8 of 1,613,982 alleles (0.0005%); highest among the groups gnomAD compares: Non-Finnish European, 0.00068%; no homozygotes.

Submission:

Labcorp Genetics (formerly Invitae), Labcorp
Classification: Uncertain significance for Cohen syndrome. Last evaluated: 2024-02-24. Review status: criteria provided, single submitter. Criteria: Invitae Variant Classification Sherloc (09022015). Collection method: clinical testing. Allele origin: germline.
Comment: This sequence change replaces methionine with arginine at codon 2840 of the VPS13B protein (p.Met2840Arg). The methionine residue is weakly conserved and there is a moderate physicochemical difference between methionine and arginine. This variant is present in population databases (no rsID available, gnomAD 0.0009%). This variant has not been reported in the literature in individuals affected with VPS13B-related conditions. ClinVar contains an entry for this variant (Variation ID: 1387963). An algorithm developed to predict the effect of missense changes on protein structure and function (PolyPhen-2) suggests that this variant is likely to be tolerated. In summary, the available evidence is currently insufficient to determine the role of this variant in disease. Therefore, it has been classified as a Variant of Uncertain Significance.

NM_152564.5(VPS13B):c.8444T>G (p.Met2815Arg)

Gene: VPS13B (vacuolar protein sorting 13 homolog B; plus strand). Cytogenetic location: 8q22.2.
Variant type: single nucleotide variant.
Coding change: c.8444T>G on transcript NM_152564.5 (MANE Select); coding-DNA position 8444, T replaced by G.
Protein change: p.Met2815Arg; replaces methionine 2815 with arginine.
Molecular consequence: missense variant.
Genome position (GRCh38, 1-based): chr8:99,818,533, T>G. VCF-style: chr8-99818533-T-G. GRCh37 (hg19) VCF-style: chr8-100830761-T-G.
Other names: c.8519T>G, p.Met2840Arg (NM_017890.5); short protein forms M2815R, M2840R.
Identifiers: ClinVar variation 1387963 (VCV001387963.8), dbSNP rs1427709841, ClinGen allele CA371773915.